The following is an entry in ClinVar:

NM_000059.4(BRCA2):c.8855del (p.Met2952fs)

Gene: BRCA2 (BRCA2 DNA repair associated; plus strand). Cytogenetic location: 13q13.1.
Variant type: Deletion.
Coding change: c.8855del on transcript NM_000059.4 (MANE Select); coding-DNA position 8855, one base deleted (T; older notation c.8855delT).
Protein change: p.Met2952fs; shifts the reading frame from methionine 2952.
Molecular consequence: frameshift variant. On other transcripts: non-coding transcript variant (1).
Genome position (GRCh38, 1-based): chr13:32,379,417, T deleted. VCF-style (leftmost placement, unchanged base first): chr13-32379416-AT-A. GRCh37 (hg19) VCF-style: chr13-32953553-AT-A.
Other names: c.8759del, p.Met2920fs (NM_001406719.1); c.8855del, p.Met2952fs (NM_001406720.1); c.3923del, p.Met1308fs (NM_001406721.1); c.2438del, p.Met813fs (NM_001406722.1); short protein forms M1308fs, M2920fs, M2952fs, M813fs.
Identifiers: ClinVar variation 3229471 (VCV003229471.1), dbSNP rs2548555141, ClinGen allele CA2825002165.

ClinVar aggregate classification (germline): Pathogenic (1 of 4 stars; one submission).

Conditions:
Hereditary cancer-predisposing syndrome. Also called: Neoplastic Syndromes, Hereditary; Tumor predisposition; Hereditary neoplastic syndrome; Hereditary Cancer Syndrome. Identifiers: Orphanet 140162, MedGen C0027672, MeSH D009386, MONDO:0015356.

Submission:

Ambry Genetics
Classification: Pathogenic for Hereditary cancer-predisposing syndrome. Last evaluated: 2023-12-28. Review status: criteria provided, single submitter. Criteria: Ambry Variant Classification Scheme 2023. Collection method: clinical testing. Allele origin: germline.
Comment: The c.8855delT pathogenic mutation, located in coding exon 21 of the BRCA2 gene, results from a deletion of one nucleotide at nucleotide position 8855, causing a translational frameshift with a predicted alternate stop codon (p.M2952Rfs*24). This alteration is expected to result in loss of function by premature protein truncation or nonsense-mediated mRNA decay. As such, this alteration is interpreted as a disease-causing mutation.